The following is an entry in ClinVar:

ClinVar aggregate classification (germline): Conflicting classifications of pathogenicity. Review status: criteria provided, conflicting classifications (1 of 4 stars). 3 submissions from 3 submitters: Uncertain significance (2); Likely benign (1). Last evaluated 2023-03-23.

Conditions:
Hereditary cancer-predisposing syndrome. Also called: Neoplastic Syndromes, Hereditary; Tumor predisposition; Hereditary neoplastic syndrome; Hereditary Cancer Syndrome. Identifiers: Orphanet 140162, MedGen C0027672, MeSH D009386, MONDO:0015356.
Hereditary breast ovarian cancer syndrome. Also called: Hereditary breast and ovarian cancer syndrome; Hereditary breast and ovarian cancer; Hereditary breast and ovarian cancer syndrome (HBOC); Breast and ovarian cancer; Hereditary breast and/or ovarian cancer syndrome; BRCA1- and BRCA2-Associated Hereditary Breast and Ovarian Cancer. Identifiers: Orphanet 145, MedGen C0677776, MeSH D061325, MONDO:0003582. Disease mechanism: loss of function.

Submissions (3):

University of Washington Department of Laboratory Medicine, University of Washington
Classification: Likely benign for Hereditary cancer-predisposing syndrome. Last evaluated: 2023-03-23. Review status: criteria provided, single submitter. Criteria: Dines et al. (Genet Med. 2020). Collection method: curation. Allele origin: germline.
Comment: Missense variant in a coldspot region where missense variants are very unlikely to be pathogenic (PMID:31911673).

BRCA2 exon 11 coldspot. Reclassification based on statistical prior probability.

Labcorp Genetics (formerly Invitae), Labcorp
Classification: Uncertain significance for Hereditary breast ovarian cancer syndrome. Last evaluated: 2021-06-18. Review status: criteria provided, single submitter. Criteria: Invitae Variant Classification Sherloc (09022015). Collection method: clinical testing. Allele origin: germline.
Comment: This variant has not been reported in the literature in individuals with BRCA2-related conditions. ClinVar contains an entry for this variant (Variation ID: 826580). This sequence change replaces aspartic acid with glycine at codon 2242 of the BRCA2 protein (p.Asp2242Gly). The aspartic acid residue is highly conserved and there is a moderate physicochemical difference between aspartic acid and glycine. This variant is not present in population databases (ExAC no frequency). Advanced modeling of protein sequence and biophysical properties (such as structural, functional, and spatial information, amino acid conservation, physicochemical variation, residue mobility, and thermodynamic stability) performed at Invitae indicates that this missense variant is not expected to disrupt BRCA2 protein function. Algorithms developed to predict the effect of sequence changes on RNA splicing suggest that this variant may create or strengthen a splice site, but this prediction has not been confirmed by published transcriptional studies. In summary, the available evidence is currently insufficient to determine the role of this variant in disease. Therefore, it has been classified as a Variant of Uncertain Significance.

Ambry Genetics
Classification: Uncertain significance for Hereditary cancer-predisposing syndrome. Last evaluated: 2018-04-13. Review status: criteria provided, single submitter. Criteria: Ambry Variant Classification Scheme 2023. Collection method: clinical testing. Allele origin: germline.
Comment: The p.D2242G variant (also known as c.6725A>G), located in coding exon 10 of the BRCA2 gene, results from an A to G substitution at nucleotide position 6725. The aspartic acid at codon 2242 is replaced by glycine, an amino acid with similar properties. This amino acid position is well conserved in available vertebrate species. In addition, the in silico prediction for this alteration is inconclusive. Since supporting evidence is limited at this time, the clinical significance of this alteration remains unclear.

NM_000059.4(BRCA2):c.6725A>G (p.Asp2242Gly)

Gene: BRCA2 (BRCA2 DNA repair associated; plus strand). Cytogenetic location: 13q13.1.
Variant type: single nucleotide variant.
Coding change: c.6725A>G on transcript NM_000059.4 (MANE Select); coding-DNA position 6725, A replaced by G.
Protein change: p.Asp2242Gly; replaces aspartic acid 2242 with glycine.
Molecular consequence: missense variant.
Genome position (GRCh38, 1-based): chr13:32,341,080, A>G. VCF-style: chr13-32341080-A-G. GRCh37 (hg19) VCF-style: chr13-32915217-A-G.
Other names: short protein forms D2242G.
Identifiers: ClinVar variation 826580 (VCV000826580.13), dbSNP rs1593909627, ClinGen allele CA387791049.